The following is an entry in ClinVar:

NM_001377299.1(NDUFS2):c.866+8G>A

Gene: NDUFS2 (NADH:ubiquinone oxidoreductase core subunit S2; plus strand). Cytogenetic location: 1q23.3.
Variant type: single nucleotide variant.
Coding change: c.866+8G>A on transcript NM_001377299.1 (MANE Select); 8 bases into the intron after coding-DNA position 866, G replaced by A.
Molecular consequence: intron variant.
Genome position (GRCh38, 1-based): chr1:161,210,397, G>A. VCF-style: chr1-161210397-G-A. GRCh37 (hg19) VCF-style: chr1-161180187-G-A.
Other names: c.866+8G>A (NM_001377300.1, NM_001377298.1, NM_001377301.1 and 3 more transcripts).
Identifiers: ClinVar variation 138485 (VCV000138485.46), dbSNP rs142594036, ClinGen allele CA292496.

ClinVar aggregate classification (germline): Conflicting classifications of pathogenicity. Review status: criteria provided, conflicting classifications (1 of 4 stars). 6 submissions from 6 submitters: Uncertain significance (1); Benign (2); Likely benign (2). 1 of the submissions does not count toward it. Last evaluated 2026-08-01.

Conditions:
Mitochondrial complex I deficiency, nuclear type 1. Also called: NADH-COENZYME Q REDUCTASE DEFICIENCY; MITOCHONDRIAL NADH DEHYDROGENASE COMPONENT OF COMPLEX I, DEFICIENCY OF. Identifiers: MedGen C6022305, MONDO:0100224, OMIM 252010.
NDUFS2-related disorder. Also called: NDUFS2-related condition.

Allele frequency attached by ClinVar (database versions not stated): 1000 Genomes Project 0.00100; 1000 Genomes Project 30x 0.00125; ExAC 0.00188; gnomAD exomes 0.00195; gnomAD 0.00214 and 0.00231; ESP Exome Variant Server 0.00215; TOPMed 0.00229.
gnomAD v4.1: 4,210 of 1,611,632 alleles (0.26%); highest among the groups gnomAD compares: Admixed American, 0.31%; 9 homozygotes.

Submissions (6):

CeGaT Center for Human Genetics Tuebingen
Classification: Likely benign. Last evaluated: 2026-08-01. Review status: criteria provided, single submitter. Criteria: CeGaT Center For Human Genetics Tuebingen Variant Classification Criteria Version 2. Collection method: clinical testing. Allele origin: germline. Affected: yes. Observed: 11 variant alleles.
Comment: NDUFS2: BP4, BS2

Labcorp Genetics (formerly Invitae), Labcorp
Classification: Benign. Last evaluated: 2026-01-05. Review status: criteria provided, single submitter. Criteria: Invitae Variant Classification Sherloc (09022015). Collection method: clinical testing. Allele origin: germline.

Blueprint Genetics
Classification: Likely benign. Last evaluated: 2024-11-26. Review status: criteria provided, single submitter. Criteria: ACMG Guidelines, 2015. Collection method: clinical testing. Allele origin: germline.

Illumina Laboratory Services, Illumina
Classification: Uncertain significance for Mitochondrial complex I deficiency, nuclear type 1. Last evaluated: 2018-01-13. Review status: criteria provided, single submitter. Criteria: ICSL Variant Classification Criteria 13 December 2019. Collection method: clinical testing. Allele origin: germline.

GeneDx
Classification: Benign. Last evaluated: 2014-05-02. Review status: criteria provided, single submitter. Criteria: GeneDx Variant Classification (06012015). Collection method: clinical testing. Allele origin: germline. Affected: yes.
Comment: This variant is considered likely benign or benign based on one or more of the following criteria: it is a conservative change, it occurs at a poorly conserved position in the protein, it is predicted to be benign by multiple in silico algorithms, and/or has population frequency not consistent with disease.

PreventionGenetics, part of Exact Sciences
Classification: Likely benign for NDUFS2-related condition. Last evaluated: 2019-10-01. Review status: no assertion criteria provided. Collection method: clinical testing. Allele origin: germline. Not counted in ClinVar's aggregate classification.
Comment: This variant is classified as likely benign based on ACMG/AMP sequence variant interpretation guidelines (Richards et al. 2015 PMID: 25741868, with internal and published modifications).